The following is an entry in ClinVar:

ClinVar aggregate classification (germline): Pathogenic. Review status: criteria provided, multiple submitters, no conflicts (2 of 4 stars). 3 submissions from 3 submitters: Pathogenic (3). Last evaluated 2023-05-11.
ClinVar aggregate classification (oncogenicity): Likely oncogenic (1 of 4 stars; one submission).

Conditions:
Familial multiple polyposis syndrome (FAP). Also called: Familial Adenomatous Polyposis (FAP); Classic familial adenomatous polyposis; Familial adenomatous polyposis; Familial intestinal polyposis; Familial polyposis. Identifiers: Orphanet 733, MedGen C0032580, MONDO:0021055. Disease mechanism: loss of function.
Familial adenomatous polyposis 1 (FAP1). Also called: POLYPOSIS, ADENOMATOUS INTESTINAL; FAMILIAL ADENOMATOUS POLYPOSIS 1, ATTENUATED. Identifiers: MedGen C2713442, MONDO:0021056, OMIM 175100. Disease mechanism: loss of function.
Neoplasm. Also called: Neoplasms; Neoplasm (disease); tumor. Identifiers: MedGen C0027651, MeSH D009369, MONDO:0005070, HP:0002664.

Submissions (4):

Center for Genomic Medicine, Rigshospitalet, Copenhagen University Hospital
Classification: Likely oncogenic for Neoplasm. Last evaluated: 2026-10-16. Review status: criteria provided, single submitter. Criteria: ClinGen/CGC/VICC Guidelines for Oncogenicity, 2022. Collection method: clinical testing. Allele origin: somatic. Affected: yes.

Myriad Genetics, Inc.
Classification: Pathogenic for Familial adenomatous polyposis 1. Last evaluated: 2023-05-11. Review status: criteria provided, single submitter. Criteria: Myriad Autosomal Dominant, Autosomal Recessive and X-Linked Classification Criteria (2023). Collection method: clinical testing. Allele origin: unknown.
Comment: This variant is considered pathogenic. This variant creates a termination codon and is predicted to result in premature protein truncation.

Labcorp Genetics (formerly Invitae), Labcorp
Classification: Pathogenic for Familial adenomatous polyposis 1. Last evaluated: 2020-02-04. Review status: criteria provided, single submitter. Criteria: Invitae Variant Classification Sherloc (09022015). Collection method: clinical testing. Allele origin: germline.
Comment: For these reasons, this variant has been classified as Pathogenic. This sequence change results in a premature translational stop signal in the APC gene (p.Glu1554*). While this is not anticipated to result in nonsense mediated decay, it is expected to disrupt the last 1290 amino acids of the APC protein. This variant is not present in population databases (ExAC no frequency). This variant has not been reported in the literature in individuals with APC-related conditions. ClinVar contains an entry for this variant (Variation ID: 433664). A different truncation (p.Tyr2645Lysfs*14) that lies downstream of this variant has been determined to be pathogenic (PMID: 9824584, 1316610, 27081525, 8381579, 22135120, Invitae). This suggests that deletion of this region of the APC protein is causative of disease. This variant is expected to disrupt the EB1 and HDLG binding sites, which mediate interactions with the cytoskeleton (PMID: 15311282, 17293347). While functional studies have not been performed to directly test the effect on APC protein function, this suggests that disruption of the C-terminal portion of the protein is functionally important.

Department of Pathology and Laboratory Medicine, Sinai Health System
Classification: Pathogenic for Familial multiple polyposis syndrome. Review status: criteria provided, single submitter. Criteria: ACMG Guidelines, 2015. Collection method: clinical testing. Allele origin: germline. Affected: yes. Study: Canadian Open Genetics Repository (COGR).

Literature cited by the submitters: PubMed 9824584 (cited by Labcorp Genetics (formerly Invitae), Labcorp); PubMed 1316610 (cited by Labcorp Genetics (formerly Invitae), Labcorp); PubMed 27081525 (cited by Labcorp Genetics (formerly Invitae), Labcorp); PubMed 8381579 (cited by Labcorp Genetics (formerly Invitae), Labcorp); PubMed 22135120 (cited by Labcorp Genetics (formerly Invitae), Labcorp); PubMed 15311282 (cited by Labcorp Genetics (formerly Invitae), Labcorp); PubMed 17293347 (cited by Labcorp Genetics (formerly Invitae), Labcorp).

NM_000038.6(APC):c.4660G>T (p.Glu1554Ter)

Gene: APC (APC regulator of Wnt signaling pathway; plus strand). Cytogenetic location: 5q22.2.
Variant type: single nucleotide variant.
Coding change: c.4660G>T on transcript NM_000038.6 (MANE Select); coding-DNA position 4660, G replaced by T.
Protein change: p.Glu1554Ter; replaces glutamic acid 1554 with a stop codon.
Molecular consequence: nonsense.
Genome position (GRCh38, 1-based): chr5:112,840,254, G>T. VCF-style: chr5-112840254-G-T. GRCh37 (hg19) VCF-style: chr5-112175951-G-T.
Other names: c.4660G>T, p.Glu1554Ter (NM_001127510.3, NM_001354895.2); c.4606G>T, p.Glu1536Ter (NM_001127511.3); c.4714G>T, p.Glu1572Ter (NM_001354896.2); c.4690G>T, p.Glu1564Ter (NM_001354897.2); c.4585G>T, p.Glu1529Ter (NM_001354898.2); c.4576G>T, p.Glu1526Ter (NM_001354899.2); c.4537G>T, p.Glu1513Ter (NM_001354900.2); c.4483G>T, p.Glu1495Ter (NM_001354901.2); and 5 more; short protein forms E1536*, E1554*, E1271*, E1513*, E1428*, E1526*, E1564*, E1453*.
Identifiers: ClinVar variation 433664 (VCV000433664.51), dbSNP rs1392778905, ClinGen allele CA16031547.